The following is an entry in ClinVar:

NM_001370259.2(MEN1):c.1362G>T (p.Lys454Asn)

Gene: MEN1 (menin 1; minus strand). Cytogenetic location: 11q13.1.
Variant type: single nucleotide variant.
Coding change: c.1362G>T on transcript NM_001370259.2 (MANE Select); coding-DNA position 1362, G replaced by T.
Protein change: p.Lys454Asn; replaces lysine 454 with asparagine.
Molecular consequence: missense variant. On other transcripts: non-coding transcript variant (4).
Genome position (GRCh38, 1-based): chr11:64,804,805, C>A on the plus strand (G>T on the coding strand, the complement: MEN1 is on the minus strand). VCF-style: chr11-64804805-C-A. GRCh37 (hg19) VCF-style: chr11-64572277-C-A.
Other names: c.1377G>T, p.Lys459Asn (NM_000244.4, NM_001407145.1, NM_130800.3 and 4 more transcripts); c.1488G>T, p.Lys496Asn (NM_001370251.2, NM_001407142.1, NM_001407143.1 and 1 more transcripts); c.1362G>T, p.Lys454Asn (NM_001370260.2, NM_001370261.2, NM_001407146.1 and 2 more transcripts); c.1257G>T, p.Lys419Asn (NM_001370262.2, NM_001370263.2, NM_001407148.1 and 1 more transcripts); c.1503G>T, p.Lys501Asn (NM_001407150.1); c.1383G>T, p.Lys461Asn (NM_001407151.1); c.1197G>T, p.Lys399Asn (NM_001407152.1); short protein forms K461N, K496N, K501N, K399N, K459N, K419N, K454N.
Identifiers: ClinVar variation 3394950 (VCV003394950.1).

ClinVar aggregate classification (germline): Uncertain significance (1 of 4 stars; one submission).

Conditions:
Hereditary cancer-predisposing syndrome. Also called: Hereditary Cancer Syndrome; Tumor predisposition; Hereditary neoplastic syndrome; Neoplastic Syndromes, Hereditary. Identifiers: Orphanet 140162, MedGen C0027672, MeSH D009386, MONDO:0015356.

Submission:

Ambry Genetics
Classification: Uncertain significance for Hereditary cancer-predisposing syndrome. Last evaluated: 2024-07-25. Review status: criteria provided, single submitter. Criteria: Ambry Variant Classification Scheme 2023. Collection method: clinical testing. Allele origin: germline.
Comment: The p.K454N variant (also known as c.1362G>T), located in coding exon 9 of the MEN1 gene, results from a G to T substitution at nucleotide position 1362. The lysine at codon 454 is replaced by asparagine, an amino acid with similar properties. This amino acid position is conserved. In addition, the in silico prediction for this alteration is inconclusive. Based on the available evidence, the clinical significance of this variant remains unclear.